The following is an entry in ClinVar:

NM_000424.4(KRT5):c.1392C>A (p.Asp464Glu)

Genes: KRT5 (keratin 5; minus strand), LOC126861525 (BRD4-independent group 4 enhancer GRCh37_chr12:52909857-52911056; plus strand). Cytogenetic location: 12q13.13.
Variant type: single nucleotide variant.
Coding change: c.1392C>A on transcript NM_000424.4 (MANE Select); coding-DNA position 1392, C replaced by A.
Protein change: p.Asp464Glu; replaces aspartic acid 464 with glutamic acid.
Molecular consequence: missense variant.
Genome position (GRCh38, 1-based): chr12:52,516,684, G>T on the plus strand (C>A on the coding strand, the complement: KRT5 is on the minus strand). VCF-style: chr12-52516684-G-T. GRCh37 (hg19) VCF-style: chr12-52910468-G-T.
Other names: short protein forms D464E.
Identifiers: ClinVar variation 2412999 (VCV002412999.4), dbSNP rs531299414, ClinGen allele CA384923607.
Genomic context (GRCh38, chr12:52,516,684, plus strand): 5'-GCTGTCTACTCACCTGCATTCCTCGCCCTCCAGCAGCTTGCGGTAAGTGGCGATCTCCAC[G>T]TCCAGGGCCAGCTTGGTGTTCATGAGCTCCTGGTACTCACGCAGCAGCCGGGCCATGTCC-3'
Protein context (NP_000415.2, residues 454-474): QELMNTKLAL[Asp464Glu]VEIATYRKLL

ClinVar aggregate classification (germline): Likely pathogenic (1 of 4 stars; one submission).

Submission:

GeneDx
Classification: Likely pathogenic. Last evaluated: 2023-01-24. Review status: criteria provided, single submitter. Criteria: GeneDx Variant Classification Process June 2021. Collection method: clinical testing. Allele origin: germline. Affected: yes.
Comment: Located in the highly conserved helix termination motif of the alpha-helical rod domain, which is intolerant to change; variants in this motif interfere with proper keratin intermediate filament assembly and function, resulting in skin fragility and/or hyperkeratosis (Chamcheu et al., 2011); Not observed at significant frequency in large population cohorts (gnomAD); In silico analysis supports that this missense variant has a deleterious effect on protein structure/function; Has not been previously published as pathogenic or benign to our knowledge; This variant is associated with the following publications: (PMID: 21176769)